The following is an entry in ClinVar:

NM_004612.4(TGFBR1):c.712GAA[1] (p.Glu239del)

Gene: TGFBR1 (transforming growth factor beta receptor 1; plus strand). Cytogenetic location: 9q22.33.
Variant type: Microsatellite.
Coding change: c.712GAA[1] on transcript NM_004612.4 (MANE Select); one copy of the 3-base unit GAA starting at c.712; the reference has two copies in a row; one copy, 3 bases deleted.
Protein change: p.Glu239del; deletes glutamic acid 239.
Molecular consequence: inframe deletion.
Genome position (GRCh38, 1-based): chr9:99,137,999-99,138,001, GAA deleted; deleting any 3 consecutive bases within chr9:99,137,995-99,138,001 gives the same sequence; the position shown is the placement nearest the transcript's 3' end. VCF-style (leftmost placement, unchanged base first): chr9-99137994-GAGA-G. GRCh37 (hg19) VCF-style: chr9-101900276-GAGA-G.
Other names: c.481GAA[1], p.Glu162del (NM_001130916.3); c.724GAA[1], p.Glu243del (NM_001306210.2); short protein forms E239del, E243del, E162del.
Identifiers: ClinVar variation 1503714 (VCV001503714.8), dbSNP rs2118716881, ClinGen allele CA2580616266.

ClinVar aggregate classification (germline): Uncertain significance (1 of 4 stars; one submission).

Conditions:
Familial thoracic aortic aneurysm and aortic dissection (TAAD). Also called: Thoracic aortic aneurysms and dissections. Identifiers: Orphanet 91387, MedGen C4707243, MONDO:0019625.

Submission:

Labcorp Genetics (formerly Invitae), Labcorp
Classification: Uncertain significance for Familial thoracic aortic aneurysm and aortic dissection. Last evaluated: 2021-07-05. Review status: criteria provided, single submitter. Criteria: Invitae Variant Classification Sherloc (09022015). Collection method: clinical testing. Allele origin: germline.
Comment: This variant is not present in population databases (ExAC no frequency). This variant, c.715_717del, results in the deletion of 1 amino acid(s) of the TGFBR1 protein (p.Glu239del), but otherwise preserves the integrity of the reading frame. This variant has not been reported in the literature in individuals affected with TGFBR1-related conditions. Experimental studies and prediction algorithms are not available or were not evaluated, and the functional significance of this variant is currently unknown. In summary, the available evidence is currently insufficient to determine the role of this variant in disease. Therefore, it has been classified as a Variant of Uncertain Significance.